The following is an entry in ClinVar:

NM_001458.5(FLNC):c.6508G>C (p.Ala2170Pro)

Genes: FLNC-AS1 (FLNC antisense RNA 1; minus strand), FLNC (filamin C; plus strand). Cytogenetic location: 7q32.1.
Variant type: single nucleotide variant.
Coding change: c.6508G>C on transcript NM_001458.5 (MANE Select); coding-DNA position 6508, G replaced by C.
Protein change: p.Ala2170Pro; replaces alanine 2170 with proline.
Molecular consequence: missense variant.
Genome position (GRCh38, 1-based): chr7:128,853,997, G>C. VCF-style: chr7-128853997-G-C. GRCh37 (hg19) VCF-style: chr7-128494051-G-C.
Other names: c.6409G>C, p.Ala2137Pro (NM_001127487.2); short protein forms A2137P, A2170P.
Identifiers: ClinVar variation 4812532 (VCV004812532.1).
Genomic context (GRCh38, chr7:128,853,997, plus strand): 5'-GCTTCCCTCCCTCACCCTGGCTCCCTTGACCACACAGGAAACTGGTTCCAGATGGTGTCT[G>C]CCCAGGAGCGCCTGACACGCACCTTCACACGCAGCAGCCACACCTACACCCGCACGGAGC-3'
Protein context (NP_001449.3, residues 2160-2180): IPGNWFQMVS[Ala2170Pro]QERLTRTFTR

ClinVar aggregate classification (germline): Uncertain significance (1 of 4 stars; one submission).

Conditions:
Hypertrophic cardiomyopathy 26. Also called: Cardiomyopathy, familial hypertrophic, 26. Identifiers: Orphanet 75249, MedGen C4310749, MONDO:0014883, OMIM 617047.
Myofibrillar myopathy 5. Also called: Filaminopathy (type); FILAMINOPATHY, AUTOSOMAL DOMINANT. Identifiers: Orphanet 171445, MedGen C1836050, MONDO:0012289, OMIM 609524.
Distal myopathy with posterior leg and anterior hand involvement. Also called: WILLIAMS DISTAL MYOPATHY. Identifiers: Orphanet 63273, MedGen C3279722, MONDO:0013550, OMIM 614065.

Submission:

Labcorp Genetics (formerly Invitae), Labcorp
Classification: Uncertain significance for Distal myopathy with posterior leg and anterior hand involvement; Myofibrillar myopathy 5; Hypertrophic cardiomyopathy 26. Last evaluated: 2025-10-01. Review status: criteria provided, single submitter. Criteria: Invitae Variant Classification Sherloc (09022015). Collection method: clinical testing. Allele origin: germline.
Comment: This sequence change replaces alanine, which is neutral and non-polar, with proline, which is neutral and non-polar, at codon 2170 of the FLNC protein (p.Ala2170Pro). This variant is not present in population databases (gnomAD no frequency). This variant has not been reported in the literature in individuals affected with FLNC-related conditions. An algorithm developed to predict the effect of missense changes on protein structure and function (PolyPhen-2) suggests that this variant is likely to be tolerated. Algorithms developed to predict the effect of sequence changes on RNA splicing suggest that this variant may create or strengthen a splice site. In summary, the available evidence is currently insufficient to determine the role of this variant in disease. Therefore, it has been classified as a Variant of Uncertain Significance.